The following is an entry in ClinVar:

NM_000157.4(GBA1):c.1289C>T (p.Pro430Leu)

Genes: GBA1 (glucosylceramidase beta 1; minus strand), LOC106627981 (GBA recombination region; plus strand). Cytogenetic location: 1q22.
Variant type: single nucleotide variant.
Coding change: c.1289C>T on transcript NM_000157.4 (MANE Select); coding-DNA position 1289, C replaced by T.
Protein change: p.Pro430Leu; replaces proline 430 with leucine.
Molecular consequence: missense variant.
Genome position (GRCh38, 1-based): chr1:155,235,780, G>A on the plus strand (C>T on the coding strand, the complement: GBA1 is on the minus strand). VCF-style: chr1-155235780-G-A. GRCh37 (hg19) VCF-style: chr1-155205571-G-A.
Other names: c.1289C>T, p.Pro430Leu (NM_001005741.3, NM_001005742.3); c.1028C>T, p.Pro343Leu (NM_001171811.2); c.1142C>T, p.Pro381Leu (NM_001171812.2); short protein forms P430L, P343L, P381L.
Identifiers: ClinVar variation 931820 (VCV000931820.11), dbSNP rs76910485, ClinGen allele CA30894500.

ClinVar aggregate classification (germline): Pathogenic. Review status: criteria provided, multiple submitters, no conflicts (2 of 4 stars). 3 submissions from 3 submitters: Pathogenic (3). Last evaluated 2025-11-10.

Conditions:
Gaucher disease perinatal lethal. Also called: Gaucher disease collodion type; Gaucher Disease, Perinatal-Lethal Form. Identifiers: Orphanet 85212, MedGen C1842704, MONDO:0011945, OMIM 608013.
Gaucher disease. Also called: Acute cerebral Gaucher disease; Cerebroside lipidosis syndrome; Gaucher splenomegaly; Sphingolipidosis 1; Glucocerebrosidosis; Glucosylceramidase deficiency. Identifiers: Orphanet 355, MedGen C0017205, MONDO:0018150.

Allele frequency attached by ClinVar (database versions not stated): gnomAD exomes below 0.00001.
gnomAD v4.1: 3 of 1,614,220 alleles (0.00019%); highest among the groups gnomAD compares: Non-Finnish European, 0.00017%; no homozygotes.

Submissions (3):

Natera, Inc.
Classification: Pathogenic for Gaucher disease. Last evaluated: 2025-11-10. Review status: criteria provided, single submitter. Criteria: Natera Variant Classification Schema (03/2026). Collection method: clinical testing. Allele origin: germline.
Comment: The c.1289C>T variant in GBA1 is a missense variant predicted to cause substitution of proline to leucine at amino acid 430. This variant is rare in the general population with a frequency below the threshold expected for the associated phenotype(s). This variant has been observed in one or more individuals affected with the associated recessive disease, as either homozygous or compound heterozygous with a second variant (PMID: 34134921). Functional studies show that this variant may disrupt protein function (PMID: 11259172). Computational prediction algorithms indicate this variant is likely to affect gene or protein function. Given the available evidence, this variant is classified as Pathogenic.

Labcorp Genetics (formerly Invitae), Labcorp
Classification: Pathogenic. Last evaluated: 2020-12-19. Review status: criteria provided, single submitter. Criteria: Invitae Variant Classification Sherloc (09022015). Collection method: clinical testing. Allele origin: germline.
Comment: This sequence change replaces proline with leucine at codon 430 of the GBA protein (p.Pro430Leu). The proline residue is highly conserved and there is a moderate physicochemical difference between proline and leucine. This variant is not present in population databases (ExAC no frequency). This variant has been observed in individual(s) with Gaucher disease (PMID: 15146461,11259172). This variant is also known as P391L (c.1289C>T). ClinVar contains an entry for this variant (Variation ID: 931820). Experimental studies have shown that this variant affects GBA protein function (PMID: 15146461,11259172). For these reasons, this variant has been classified as Pathogenic.

Centre for Mendelian Genomics, University Medical Centre Ljubljana
Classification: Pathogenic for Gaucher disease perinatal lethal. Last evaluated: 2018-09-28. Review status: criteria provided, single submitter. Criteria: ACMG Guidelines, 2015. Collection method: clinical testing. Allele origin: unknown. Affected: yes.
Comment: This variant was classified as: Pathogenic. The following ACMG criteria were applied in classifying this variant: BP5,PP5,PP3,PP2,PM1,PM2,PS3.

Literature cited by the submitters: PubMed 34134921 (cited by Natera, Inc.); PubMed 11259172 (cited by Natera, Inc. and Labcorp Genetics (formerly Invitae), Labcorp); PubMed 15146461 (cited by Labcorp Genetics (formerly Invitae), Labcorp).